The following is an entry in ClinVar:

NM_019842.4(KCNQ5):c.2061C>A (p.Gly687=)

Gene: KCNQ5 (potassium voltage-gated channel subfamily Q member 5; plus strand). Cytogenetic location: 6q13.
Variant type: single nucleotide variant.
Coding change: c.2061C>A on transcript NM_019842.4 (MANE Select); coding-DNA position 2061, C replaced by A.
Protein change: p.Gly687=; no amino-acid change (glycine 687 retained).
Molecular consequence: synonymous variant.
Genome position (GRCh38, 1-based): chr6:73,194,676, C>A. VCF-style: chr6-73194676-C-A. GRCh37 (hg19) VCF-style: chr6-73904399-C-A.
Other names: c.2034C>A, p.Gly678= (NM_001160130.2); c.2091C>A, p.Gly697= (NM_001160132.2); c.2118C>A, p.Gly706= (NM_001160133.2); c.1731C>A, p.Gly577= (NM_001160134.2).
Identifiers: ClinVar variation 744573 (VCV000744573.15), dbSNP rs758999586, ClinGen allele CA3887198.

ClinVar aggregate classification (germline): Likely benign. Review status: criteria provided, multiple submitters, no conflicts (2 of 4 stars). 3 submissions from 3 submitters: Likely benign (2). 1 of the submissions does not count toward it. Last evaluated 2026-09-01.

Conditions:
KCNQ5-related disorder. Also called: KCNQ5-related condition.

Allele frequency attached by ClinVar (database versions not stated): TOPMed 0.00005.
gnomAD v4.1: 66 of 1,614,126 alleles (0.0041%); highest among the groups gnomAD compares: Middle Eastern, 0.033%; no homozygotes.

Submissions (3):

CeGaT Center for Human Genetics Tuebingen
Classification: Likely benign. Last evaluated: 2026-09-01. Review status: criteria provided, single submitter. Criteria: CeGaT Center For Human Genetics Tuebingen Variant Classification Criteria Version 2. Collection method: clinical testing. Allele origin: germline. Affected: yes. Observed: 2 variant alleles.
Comment: KCNQ5: BP4, BP7

Labcorp Genetics (formerly Invitae), Labcorp
Classification: Likely benign. Last evaluated: 2025-12-18. Review status: criteria provided, single submitter. Criteria: Invitae Variant Classification Sherloc (09022015). Collection method: clinical testing. Allele origin: germline.

PreventionGenetics, part of Exact Sciences
Classification: Likely benign for KCNQ5-related condition. Last evaluated: 2024-06-20. Review status: no assertion criteria provided. Collection method: clinical testing. Allele origin: germline. Not counted in ClinVar's aggregate classification.
Comment: This variant is classified as likely benign based on ACMG/AMP sequence variant interpretation guidelines (Richards et al. 2015 PMID: 25741868, with internal and published modifications).